The following is an entry in ClinVar:

ClinVar aggregate classification (germline): Likely benign (0 of 4 stars; one submission).

Conditions:
ACTL6B-related disorder. Also called: ACTL6B-related condition.

Allele frequency attached by ClinVar (database versions not stated): TOPMed 0.00005; gnomAD 0.00007; ESP Exome Variant Server 0.00008.

Submission:

PreventionGenetics, part of Exact Sciences
Classification: Likely benign for ACTL6B-related condition. Last evaluated: 2019-12-02. Review status: no assertion criteria provided. Collection method: clinical testing. Allele origin: germline.
Comment: This variant is classified as likely benign based on ACMG/AMP sequence variant interpretation guidelines (Richards et al. 2015 PMID: 25741868, with internal and published modifications).

NM_016188.5(ACTL6B):c.201C>A (p.Ile67=)

Gene: ACTL6B (actin like 6B; minus strand). Cytogenetic location: 7q22.1.
Variant type: single nucleotide variant.
Coding change: c.201C>A on transcript NM_016188.5 (MANE Select); coding-DNA position 201, C replaced by A.
Protein change: p.Ile67=; no amino-acid change (isoleucine 67 retained).
Molecular consequence: synonymous variant. On other transcripts: non-coding transcript variant (1).
Genome position (GRCh38, 1-based): chr7:100,655,488, G>T on the plus strand (C>A on the coding strand, the complement: ACTL6B is on the minus strand). VCF-style: chr7-100655488-G-T. GRCh37 (hg19) VCF-style: chr7-100253111-G-T.
Identifiers: ClinVar variation 3048021 (VCV003048021.2), dbSNP rs372225959, ClinGen allele CA4387332.
Genomic context (GRCh38, chr7:100,655,488, plus strand): 5'-ATTCTTGAGGGGCGACATGACCTCCGCTCCATCCCGAGGCACGTGCAGGGCATTGGTGTC[G>T]ATGTGGAAGATCTTCCCTTTCTTCTCTTTGTCCCCCTCCAGCTCCAGCCCGCCCCCCTCC-3'
Protein context (NP_057272.1, residues 57-77): DKEKKGKIFH[Ile67=]DTNALHVPRD